The following is an entry in ClinVar:

ClinVar aggregate classification (germline): Uncertain significance (1 of 4 stars; one submission).

Allele frequency attached by ClinVar (database versions not stated): gnomAD exomes below 0.00001.

Submission:

Labcorp Genetics (formerly Invitae), Labcorp
Classification: Uncertain significance. Last evaluated: 2024-11-06. Review status: criteria provided, single submitter. Criteria: Invitae Variant Classification Sherloc (09022015). Collection method: clinical testing. Allele origin: germline.
Comment: This sequence change creates a premature translational stop signal (p.Glu301*) in the TNNI3K gene. It is expected to result in an absent or disrupted protein product. However, the current clinical and genetic evidence is not sufficient to establish whether loss-of-function variants in TNNI3K cause disease. This variant is present in population databases (no rsID available, gnomAD 0.0009%). This variant has not been reported in the literature in individuals affected with TNNI3K-related conditions. ClinVar contains an entry for this variant (Variation ID: 1394261). Algorithms developed to predict the effect of sequence changes on RNA splicing suggest that this variant may disrupt the consensus splice site. In summary, the available evidence is currently insufficient to determine the role of this variant in disease. Therefore, it has been classified as a Variant of Uncertain Significance.

NM_015978.3(TNNI3K):c.901G>T (p.Glu301Ter)

Genes: FPGT-TNNI3K (FPGT-TNNI3K readthrough; plus strand), TNNI3K (TNNI3 interacting kinase; plus strand). Cytogenetic location: 1p31.1.
Variant type: single nucleotide variant.
Coding change: c.901G>T on transcript NM_015978.3 (MANE Select); coding-DNA position 901, G replaced by T.
Protein change: p.Glu301Ter; replaces glutamic acid 301 with a stop codon.
Molecular consequence: nonsense.
Genome position (GRCh38, 1-based): chr1:74,343,148, G>T. VCF-style: chr1-74343148-G-T. GRCh37 (hg19) VCF-style: chr1-74808832-G-T.
Other names: c.1204G>T, p.Glu402Ter (NM_001112808.3, NM_001199327.2); short protein forms E301*, E402*.
Identifiers: ClinVar variation 1394261 (VCV001394261.6), dbSNP rs879840260, ClinGen allele CA24525160.